The following is an entry in ClinVar:

NM_007272.3(CTRC):c.16G>C (p.Val6Leu)

Gene: CTRC (chymotrypsin C; plus strand). Cytogenetic location: 1p36.21.
Variant type: single nucleotide variant.
Coding change: c.16G>C on transcript NM_007272.3 (MANE Select); coding-DNA position 16, G replaced by C.
Protein change: p.Val6Leu; replaces valine 6 with leucine.
Molecular consequence: missense variant.
Genome position (GRCh38, 1-based): chr1:15,438,480, G>C. VCF-style: chr1-15438480-G-C. GRCh37 (hg19) VCF-style: chr1-15764976-G-C.
Other names: short protein forms V6L.
Identifiers: ClinVar variation 5035047 (VCV005035047.1).

ClinVar aggregate classification (germline): Uncertain significance (1 of 4 stars; one submission).

Conditions:
Hereditary pancreatitis (PCTT). Also called: Hereditary chronic pancreatitis; PRSS1-Related Hereditary Pancreatitis. Identifiers: Orphanet 676, MedGen C0238339, MONDO:0008185, OMIM 167800.

Submission:

Ambry Genetics
Classification: Uncertain significance for Hereditary pancreatitis. Last evaluated: 2026-07-15. Review status: criteria provided, single submitter. Criteria: Ambry Variant Classification Scheme 2023. Collection method: clinical testing. Allele origin: germline.
Comment: The p.V6L variant (also known as c.16G>C), located in coding exon 1 of the CTRC gene, results from a G to C substitution at nucleotide position 16. The valine at codon 6 is replaced by leucine, an amino acid with highly similar properties. This amino acid position is conserved. In addition, this alteration is predicted to be tolerated by in silico analysis. Based on the available evidence, the clinical significance of this variant remains unclear.